The following is an entry in ClinVar:

ClinVar aggregate classification (germline): Conflicting classifications of pathogenicity. Review status: criteria provided, conflicting classifications (1 of 4 stars). 8 submissions from 4 submitters: Uncertain significance (5); Benign (2); Likely benign (1). Last evaluated 2020-08-14.

Conditions:
Autosomal recessive limb-girdle muscular dystrophy type 2J (LGMDR10). Also called: MUSCULAR DYSTROPHY, LIMB-GIRDLE, AUTOSOMAL RECESSIVE 10; Limb-girdle muscular dystrophy, type 2J. Identifiers: Orphanet 140922, MedGen C1837342, MONDO:0012127, OMIM 608807.
Dilated cardiomyopathy 1G (CMD1G). Identifiers: Orphanet 154, MedGen C1858763, MONDO:0011400, OMIM 604145.
Cardiomyopathy (CMYO). Also called: Cardiomyopathies. Identifiers: Orphanet 167848, MedGen C0878544, MONDO:0004994, HP:0001638. Inheritance: Various modes of inheritance.
Early-onset myopathy with fatal cardiomyopathy (CMYO5). Also called: Salih Myopathy; CONGENITAL MYOPATHY 5 WITH CARDIOMYOPATHY. Identifiers: Orphanet 289377, MedGen C2673677, MONDO:0012714, OMIM 611705. Disease mechanism: loss of function.
Tibial muscular dystrophy (TMD). Also called: UDD MYOPATHY; Tibial muscular dystrophy, tardive; Udd Distal Myopathy – Tibial Muscular Dystrophy. Identifiers: Orphanet 609, MedGen C1838244, MONDO:0010870, OMIM 600334.
Myopathy, myofibrillar, 9, with early respiratory failure (MFM9). Also called: Myopathy, distal, with early respiratory failure, autosomal dominant; Hereditary myopathy with early respiratory failure; EDSTROM MYOPATHY; MYOPATHY, PROXIMAL, WITH EARLY RESPIRATORY MUSCLE INVOLVEMENT. Identifiers: Orphanet 178464, Orphanet 34521, MedGen C1863599, MONDO:0011362, OMIM 603689.

Allele frequency attached by ClinVar (database versions not stated): gnomAD 0.00003 and 0.00002; gnomAD exomes 0.00003 and 0.00006; TOPMed 0.00003; ExAC 0.00006.
gnomAD v4.1: 43 of 1,612,594 alleles (0.0027%); highest among the groups gnomAD compares: Middle Eastern, 0.049%; no homozygotes.

Submissions (8):

CHEO Genetics Diagnostic Laboratory, Children's Hospital of Eastern Ontario
Classification: Likely benign for Cardiomyopathy. Last evaluated: 2020-08-14. Review status: criteria provided, single submitter. Criteria: ACMG Guidelines, 2015. Collection method: clinical testing. Allele origin: germline.

Revvity Omics, Revvity
Classification: Uncertain significance. Last evaluated: 2019-02-25. Review status: criteria provided, single submitter. Criteria: ACMG Guidelines, 2015. Collection method: clinical testing. Allele origin: germline.

Illumina Laboratory Services, Illumina
Classification: Uncertain significance for Dilated cardiomyopathy 1G. Last evaluated: 2018-01-13. Review status: criteria provided, single submitter. Criteria: ICSL Variant Classification Criteria 13 December 2019. Collection method: clinical testing. Allele origin: germline.

Illumina Laboratory Services, Illumina
Classification: Uncertain significance for Early-onset myopathy with fatal cardiomyopathy. Last evaluated: 2018-01-13. Review status: criteria provided, single submitter. Criteria: ICSL Variant Classification Criteria 13 December 2019. Collection method: clinical testing. Allele origin: germline.

Illumina Laboratory Services, Illumina
Classification: Benign for Tibial muscular dystrophy. Last evaluated: 2018-01-13. Review status: criteria provided, single submitter. Criteria: ICSL Variant Classification Criteria 13 December 2019. Collection method: clinical testing. Allele origin: germline.
Comment: This variant was observed in the ICSL laboratory as part of a predisposition screen in an ostensibly healthy population. It had not been previously curated by ICSL or reported in the Human Gene Mutation Database (HGMD: prior to June 1st, 2018), and was therefore a candidate for classification through an automated scoring system. Utilizing variant allele frequency, disease prevalence and penetrance estimates, and inheritance mode, an automated score was calculated to assess if this variant is too frequent to cause the disease. Based on the score and internal cut-off values, a variant classified as benign is not then subjected to further curation. The score for this variant resulted in a classification of benign for this disease.

Illumina Laboratory Services, Illumina
Classification: Benign for Myopathy, myofibrillar, 9, with early respiratory failure. Last evaluated: 2018-01-13. Review status: criteria provided, single submitter. Criteria: ICSL Variant Classification Criteria 13 December 2019. Collection method: clinical testing. Allele origin: germline.
Comment: the same text as in the submission from Illumina Laboratory Services, Illumina above.

Illumina Laboratory Services, Illumina
Classification: Uncertain significance for Autosomal recessive limb-girdle muscular dystrophy type 2J. Last evaluated: 2018-01-13. Review status: criteria provided, single submitter. Criteria: ICSL Variant Classification Criteria 13 December 2019. Collection method: clinical testing. Allele origin: germline.

Labcorp Genetics (formerly Invitae), Labcorp
Classification: Uncertain significance for Dilated cardiomyopathy 1G; Autosomal recessive limb-girdle muscular dystrophy type 2J. Last evaluated: 2017-02-24. Review status: criteria provided, single submitter. Criteria: Invitae Variant Classification Sherloc (09022015). Collection method: clinical testing. Allele origin: germline.

NM_001267550.2(TTN):c.47938A>G (p.Ile15980Val)

Genes: TTN (titin; minus strand), TTN-AS1 (TTN antisense RNA 1; plus strand). Cytogenetic location: 2q31.2.
Variant type: single nucleotide variant.
Coding change: c.47938A>G on transcript NM_001267550.2 (MANE Select); coding-DNA position 47938, A replaced by G.
Protein change: p.Ile15980Val; replaces isoleucine 15980 with valine.
Molecular consequence: missense variant.
Genome position (GRCh38, 1-based): chr2:178,616,951, T>C on the plus strand (A>G on the coding strand, the complement: TTN is on the minus strand). VCF-style: chr2-178616951-T-C. GRCh37 (hg19) VCF-style: chr2-179481678-T-C.
Other names: c.43015A>G, p.Ile14339Val (NM_001256850.1); c.20743A>G, p.Ile6915Val (NM_003319.4); c.40234A>G, p.Ile13412Val (NM_133378.4); c.21118A>G, p.Ile7040Val (NM_133432.3); c.21319A>G, p.Ile7107Val (NM_133437.4); short protein forms I15980V, I13412V, I14339V, I7040V, I7107V, I6915V.
Identifiers: ClinVar variation 404883 (VCV000404883.10), dbSNP rs780634456, ClinGen allele CA1994939.